The following is an entry in ClinVar:

ClinVar aggregate classification (germline): Uncertain significance (1 of 4 stars; one submission).

Conditions:
Deficiency of acetyl-CoA acetyltransferase. Also called: 3-KETOTHIOLASE DEFICIENCY; 3-OXOTHIOLASE DEFICIENCY; MITOCHONDRIAL ACETOACETYL-CoA THIOLASE DEFICIENCY; Beta-ketothiolase deficiency. Identifiers: Orphanet 134, MedGen C1536500, MONDO:0008760, OMIM 203750. Disease mechanism: loss of function.

Submission:

Myriad Genetics, Inc.
Classification: Uncertain significance for Deficiency of acetyl-CoA acetyltransferase. Last evaluated: 2026-01-08. Review status: criteria provided, single submitter. Criteria: Myriad Autosomal Dominant, Autosomal Recessive and X-Linked Classification Criteria (2023). Collection method: clinical testing. Allele origin: unknown.
Comment: NM_000019.3(ACAT1):c.919_924del6(T307_P308del) is an in-frame deletion classified as a variant of uncertain significance in the context of beta-ketothiolase deficiency. T307_P308del has not been observed in cases with relevant disease. Relevant functional assessments of this variant are not available in the literature. T307_P308del has not been observed in referenced population frequency databases. In summary, there is insufficient evidence to classify NM_000019.3(ACAT1):c.919_924del6(T307_P308del) as pathogenic or benign. Please note: this variant was assessed in the context of healthy population screening.

NM_000019.4(ACAT1):c.919_924del (p.Thr307_Pro308del)

Gene: ACAT1 (acetyl-CoA acetyltransferase 1; plus strand). Cytogenetic location: 11q22.3.
Variant type: Deletion.
Coding change: c.919_924del on transcript NM_000019.4 (MANE Select); coding-DNA positions 919 to 924, 6 bases deleted (ACACCA; older notation c.919_924delACACCA).
Protein change: p.Thr307_Pro308del.
Molecular consequence: inframe deletion. On other transcripts: non-coding transcript variant (2).
Genome position (GRCh38, 1-based): chr11:108,142,529-108,142,534, ACACCA deleted. VCF-style (leftmost placement, unchanged base first): chr11-108142528-TACACCA-T. GRCh37 (hg19) VCF-style: chr11-108013255-TACACCA-T.
Other names: c.919_924del, p.Thr307_Pro308del (NM_001386677.1); c.604_609del, p.Thr202_Pro203del (NM_001386678.1); c.622_627del, p.Thr208_Pro209del (NM_001386679.1); c.649_654del, p.Thr217_Pro218del (NM_001386681.1, NM_001386682.1, NM_001386685.1 and 6 more transcripts).
Identifiers: ClinVar variation 5004379 (VCV005004379.1).
Genomic context (GRCh38, chr11:108,142,528, plus strand): 5'-GAATGATGGAGCAGCTGCTCTGGTTCTCATGACGGCAGATGCAGCGAAGAGGCTCAATGT[TACACCA>T]CTGGCAAGAATAGTAGGTAAGGCCAGGCGAGGTGGCTCACACCTGTAATCCCAGCACTTT-3'